The following is an entry in ClinVar:

NM_058216.3(RAD51C):c.572-16T>C

Gene: RAD51C (RAD51 paralog C; plus strand). Cytogenetic location: 17q22.
Variant type: single nucleotide variant.
Coding change: c.572-16T>C on transcript NM_058216.3 (MANE Select); 16 bases into the intron before coding-DNA position 572, T replaced by C.
Molecular consequence: intron variant.
Genome position (GRCh38, 1-based): chr17:58,703,180, T>C. VCF-style: chr17-58703180-T-C. GRCh37 (hg19) VCF-style: chr17-56780541-T-C.
Identifiers: ClinVar variation 492375 (VCV000492375.13), dbSNP rs1555597053, ClinGen allele CA658684141.

ClinVar aggregate classification (germline): Benign/Likely benign. Review status: criteria provided, multiple submitters, no conflicts (2 of 4 stars). 4 submissions from 4 submitters: Benign (1); Likely benign (3). Last evaluated 2025-02-18.

Conditions:
Breast-ovarian cancer, familial, susceptibility to, 3. Also called: RAD51C-Related Breast/Ovarian Cancer. Identifiers: Orphanet 145, MedGen C3150659, MONDO:0013253, OMIM 613399.
Hereditary cancer-predisposing syndrome. Also called: Tumor predisposition; Neoplastic Syndromes, Hereditary; Hereditary Cancer Syndrome; Hereditary neoplastic syndrome. Identifiers: Orphanet 140162, MedGen C0027672, MeSH D009386, MONDO:0015356.
Fanconi anemia complementation group O. Also called: RAD51C-Related Fanconi Anemia. Identifiers: Orphanet 84, MedGen C3150653, MONDO:0013248, OMIM 613390.

Allele frequency attached by ClinVar (database versions not stated): gnomAD exomes 0.00001.
gnomAD v4.1: 3 of 1,608,750 alleles (0.00019%); highest among the groups gnomAD compares: Non-Finnish European, 0.00026%; no homozygotes.

Submissions (4):

Myriad Genetics, Inc.
Classification: Likely benign for Breast-ovarian cancer, familial, susceptibility to, 3. Last evaluated: 2025-02-18. Review status: criteria provided, single submitter. Criteria: Myriad Autosomal Dominant, Autosomal Recessive and X-Linked Classification Criteria (2023). Collection method: clinical testing. Allele origin: unknown.
Comment: This variant is considered likely benign. This variant is intronic and is not expected to impact mRNA splicing.

Labcorp Genetics (formerly Invitae), Labcorp
Classification: Likely benign for Fanconi anemia complementation group O. Last evaluated: 2024-06-29. Review status: criteria provided, single submitter. Criteria: Invitae Variant Classification Sherloc (09022015). Collection method: clinical testing. Allele origin: germline.

Color Diagnostics, LLC DBA Color Health
Classification: Likely benign for Hereditary cancer-predisposing syndrome. Last evaluated: 2016-09-26. Review status: criteria provided, single submitter. Criteria: ACMG Guidelines, 2015. Collection method: clinical testing. Allele origin: germline.

GeneDx
Classification: Benign. Last evaluated: 2015-04-23. Review status: criteria provided, single submitter. Criteria: GeneDx Variant Classification Process June 2021. Collection method: clinical testing. Allele origin: germline. Affected: yes.